The following is an entry in ClinVar:

NM_000426.4(LAMA2):c.8245-193T>C

Genes: LAMA2 (laminin subunit alpha 2; plus strand), LOC126859784 (CDK7 strongly-dependent group 2 enhancer GRCh37_chr6:129822854-129824053; plus strand). Cytogenetic location: 6q22.33.
Variant type: single nucleotide variant.
Coding change: c.8245-193T>C on transcript NM_000426.4 (MANE Select); 193 bases into the intron before coding-DNA position 8245, T replaced by C.
Molecular consequence: intron variant.
Genome position (GRCh38, 1-based): chr6:129,502,466, T>C. VCF-style: chr6-129502466-T-C. GRCh37 (hg19) VCF-style: chr6-129823611-T-C.
Other names: c.8233-193T>C (NM_001079823.2).
Identifiers: ClinVar variation 682952 (VCV000682952.1), dbSNP rs7774592, ClinGen allele CA12305176.

ClinVar aggregate classification (germline): Benign (1 of 4 stars; one submission).

Allele frequency attached by ClinVar (database versions not stated): 1000 Genomes Project 30x 0.64600; 1000 Genomes Project 0.64936; gnomAD 0.66644 and 0.66854; TOPMed 0.66654.
gnomAD v4.1: 101,922 of 152,122 alleles (67%); highest among the groups gnomAD compares: Middle Eastern, 76%; 34,776 homozygotes.

Submission:

GeneDx
Classification: Benign. Last evaluated: 2018-06-14. Review status: criteria provided, single submitter. Criteria: GeneDx Variant Classification (06012015). Collection method: clinical testing. Allele origin: germline. Affected: yes.
Comment: This variant is considered likely benign or benign based on one or more of the following criteria: it is a conservative change, it occurs at a poorly conserved position in the protein, it is predicted to be benign by multiple in silico algorithms, and/or has population frequency not consistent with disease.